The following is an entry in ClinVar:

ClinVar aggregate classification (germline): Uncertain significance. Review status: reviewed by expert panel (3 of 4 stars). 2 submissions from 2 submitters: Uncertain significance (1). 1 of the submissions does not count toward it. Last evaluated 2024-08-16.

Conditions:
Hereditary thrombocytopenia and hematological cancer predisposition syndrome associated with RUNX1. Also called: PLATELET DISORDER, ASPIRIN-LIKE; Familial Platelet Disorder with Propensity to Acute Myelogenous Leukemia; Familial thrombocytopenia with propensity to acute myelogenous leukemia; RUNX1 Familial Platelet Disorder with Associated Myeloid Malignancies. Identifiers: Orphanet 71290, MedGen C1832388, MeSH C563324, MONDO:0100083, OMIM 601399.
Hereditary thrombocytopenia and hematologic cancer predisposition syndrome. Identifiers: Orphanet 71290, MedGen CN281654, MONDO:0011071.

gnomAD v4.1: 1 of 1,519,560 alleles (0.000066%); highest among the groups gnomAD compares: African/African-American, 0.0014%; no homozygotes.

Submissions (2):

ClinGen Myeloid Malignancy Variant Curation Expert Panel
Classification: Uncertain significance for Hereditary thrombocytopenia and hematologic cancer predisposition syndrome. Last evaluated: 2024-08-16. Review status: reviewed by expert panel. Criteria: ClinGen MyeloMalig ACMG Specifications v2. Collection method: curation. Allele origin: germline. Inheritance: Autosomal dominant inheritance.
Comment: NM_001754.5(RUNX1):c.1412G>T (p.Arg471Leu) is a missense variant which has a REVEL score < 0.50 (0.409) and a SpliceAI score ≤ 0.20 (0.0) (BP4). In summary, the clinical significance of this variant is uncertain. ACMG/AMP criteria applied, as specified by the Myeloid Malignancy Variant Curation Expert Panel for RUNX1: BP4.

Labcorp Genetics (formerly Invitae), Labcorp
Classification: Uncertain significance for Hereditary thrombocytopenia and hematological cancer predisposition syndrome associated with RUNX1. Last evaluated: 2020-07-07. Review status: criteria provided, single submitter. Criteria: Invitae Variant Classification Sherloc (09022015). Collection method: clinical testing. Allele origin: germline. Not counted in ClinVar's aggregate classification.
Comment: In summary, the available evidence is currently insufficient to determine the role of this variant in disease. Therefore, it has been classified as a Variant of Uncertain Significance. Algorithms developed to predict the effect of missense changes on protein structure and function are either unavailable or do not agree on the potential impact of this missense change (SIFT: "Deleterious"; PolyPhen-2: "Probably Damaging"; Align-GVGD: "Class C0"). This variant has not been reported in the literature in individuals with RUNX1-related conditions. The frequency data for this variant in the population databases is considered unreliable, as metrics indicate insufficient coverage at this position in the ExAC database. This sequence change replaces arginine with leucine at codon 471 of the RUNX1 protein (p.Arg471Leu). The arginine residue is moderately conserved and there is a moderate physicochemical difference between arginine and leucine.

NM_001754.5(RUNX1):c.1412G>T (p.Arg471Leu)

Gene: RUNX1 (RUNX family transcription factor 1; minus strand). Cytogenetic location: 21q22.12.
Variant type: single nucleotide variant.
Coding change: c.1412G>T on transcript NM_001754.5 (MANE Select); coding-DNA position 1412, G replaced by T.
Protein change: p.Arg471Leu; replaces arginine 471 with leucine.
Molecular consequence: missense variant.
Genome position (GRCh38, 1-based): chr21:34,792,166, C>A on the plus strand (G>T on the coding strand, the complement: RUNX1 is on the minus strand). VCF-style: chr21-34792166-C-A. GRCh37 (hg19) VCF-style: chr21-36164463-C-A.
Other names: NM_001754.5(RUNX1):c.1412G>T; p.Arg471Leu; c.1331G>T, p.Arg444Leu (NM_001001890.3); short protein forms R444L, R471L.
Identifiers: ClinVar variation 1051210 (VCV001051210.10), dbSNP rs2056447396, ClinGen allele CA410146710.